The following is an entry in ClinVar:

NM_001128148.3(TFRC):c.141T>A (p.Asn47Lys)

Gene: TFRC (transferrin receptor; minus strand). Cytogenetic location: 3q29.
Variant type: single nucleotide variant.
Coding change: c.141T>A on transcript NM_001128148.3 (MANE Select); coding-DNA position 141, T replaced by A.
Protein change: p.Asn47Lys; replaces asparagine 47 with lysine.
Molecular consequence: missense variant. On other transcripts: intron variant (2).
Genome position (GRCh38, 1-based): chr3:196,075,256, A>T on the plus strand (T>A on the coding strand, the complement: TFRC is on the minus strand). VCF-style: chr3-196075256-A-T. GRCh37 (hg19) VCF-style: chr3-195802127-A-T.
Other names: c.141T>A, p.Asn47Lys (NM_003234.4); c.-413+1808T>A (NM_001313966.2); c.-5-1131T>A (NM_001313965.2); short protein forms N47K.
Identifiers: ClinVar variation 2049129 (VCV002049129.4), dbSNP rs778795194, ClinGen allele CA2778387.

ClinVar aggregate classification (germline): Uncertain significance (1 of 4 stars; one submission).

Allele frequency attached by ClinVar (database versions not stated): gnomAD 0.00001; gnomAD exomes 0.00001; ExAC 0.00003; TOPMed 0.00003.
gnomAD v4.1: 13 of 1,613,898 alleles (0.00081%); highest among the groups gnomAD compares: Admixed American, 0.022%; no homozygotes.

Submission:

Labcorp Genetics (formerly Invitae), Labcorp
Classification: Uncertain significance. Last evaluated: 2025-06-10. Review status: criteria provided, single submitter. Criteria: Invitae Variant Classification Sherloc (09022015). Collection method: clinical testing. Allele origin: germline.
Comment: This sequence change replaces asparagine, which is neutral and polar, with lysine, which is basic and polar, at codon 47 of the TFRC protein (p.Asn47Lys). This variant is present in population databases (rs778795194, gnomAD 0.02%). This variant has not been reported in the literature in individuals affected with TFRC-related conditions. ClinVar contains an entry for this variant (Variation ID: 2049129). An algorithm developed to predict the effect of missense changes on protein structure and function (PolyPhen-2) suggests that this variant is likely to be tolerated. In summary, the available evidence is currently insufficient to determine the role of this variant in disease. Therefore, it has been classified as a Variant of Uncertain Significance.